The following is an entry in ClinVar:

ClinVar aggregate classification (germline): Conflicting classifications of pathogenicity. Review status: criteria provided, conflicting classifications (1 of 4 stars). 2 submissions from 2 submitters: Uncertain significance (1); Likely benign (1). Last evaluated 2022-04-01.

Conditions:
Hereditary cancer-predisposing syndrome. Also called: Neoplastic Syndromes, Hereditary; Hereditary Cancer Syndrome; Tumor predisposition; Hereditary neoplastic syndrome. Identifiers: Orphanet 140162, MedGen C0027672, MeSH D009386, MONDO:0015356.
Hereditary breast ovarian cancer syndrome. Also called: Hereditary breast and ovarian cancer; Hereditary breast and/or ovarian cancer syndrome; Hereditary breast and ovarian cancer syndrome; Hereditary breast and ovarian cancer syndrome (HBOC); Breast and ovarian cancer; BRCA1- and BRCA2-Associated Hereditary Breast and Ovarian Cancer. Identifiers: Orphanet 145, MedGen C0677776, MeSH D061325, MONDO:0003582. Disease mechanism: loss of function.

Submissions (2):

Ambry Genetics
Classification: Likely benign for Hereditary cancer-predisposing syndrome. Last evaluated: 2022-04-01. Review status: criteria provided, single submitter. Criteria: Ambry Variant Classification Scheme 2023. Collection method: clinical testing. Allele origin: germline.

Labcorp Genetics (formerly Invitae), Labcorp
Classification: Uncertain significance for Hereditary breast ovarian cancer syndrome. Last evaluated: 2022-02-02. Review status: criteria provided, single submitter. Criteria: Invitae Variant Classification Sherloc (09022015). Collection method: clinical testing. Allele origin: germline.
Comment: This sequence change replaces aspartic acid, which is acidic and polar, with glutamic acid, which is acidic and polar, at codon 1505 of the BRCA1 protein (p.Asp1505Glu). This variant is not present in population databases (gnomAD no frequency). This variant has not been reported in the literature in individuals affected with BRCA1-related conditions. Advanced modeling of protein sequence and biophysical properties (such as structural, functional, and spatial information, amino acid conservation, physicochemical variation, residue mobility, and thermodynamic stability) performed at Invitae indicates that this missense variant is not expected to disrupt BRCA1 protein function. In summary, the available evidence is currently insufficient to determine the role of this variant in disease. Therefore, it has been classified as a Variant of Uncertain Significance.

NM_007294.4(BRCA1):c.4515T>A (p.Asp1505Glu)

Gene: BRCA1 (BRCA1 DNA repair associated; minus strand). Cytogenetic location: 17q21.31.
Variant type: single nucleotide variant.
Coding change: c.4515T>A on transcript NM_007294.4 (MANE Select); coding-DNA position 4515, T replaced by A.
Protein change: p.Asp1505Glu; replaces aspartic acid 1505 with glutamic acid.
Molecular consequence: missense variant. On other transcripts: non-coding transcript variant (1).
Genome position (GRCh38, 1-based): chr17:43,074,491, A>T on the plus strand (T>A on the coding strand, the complement: BRCA1 is on the minus strand). VCF-style: chr17-43074491-A-T. GRCh37 (hg19) VCF-style: chr17-41226508-A-T.
Other names: c.4302T>A, p.Asp1434Glu (NM_001407571.1, NM_001407894.1, NM_001407895.1 and 12 more transcripts); c.4581T>A, p.Asp1527Glu (NM_001407581.1, NM_001407582.1); c.4578T>A, p.Asp1526Glu (NM_001407583.1, NM_001407585.1, NM_001407587.1 and 1 more transcripts); c.4575T>A, p.Asp1525Glu (NM_001407590.1, NM_001407591.1); c.4515T>A, p.Asp1505Glu (NM_001407593.1, NM_001407594.1, NM_001407596.1 and 8 more transcripts); c.4512T>A, p.Asp1504Glu (NM_001407610.1, NM_001407611.1, NM_001407612.1 and 17 more transcripts); c.4509T>A, p.Asp1503Glu (NM_001407627.1, NM_001407628.1, NM_001407629.1 and 14 more transcripts); c.4506T>A, p.Asp1502Glu (NM_001407644.1, NM_001407645.1); and 68 more; short protein forms D1526E, D1458E, D1505E, D401E, D1377E, D1378E, D1415E, D1436E.
Identifiers: ClinVar variation 1376444 (VCV001376444.11), dbSNP rs1057522167, ClinGen allele CA10592497.